The following is an entry in ClinVar:

ClinVar aggregate classification (germline): Uncertain significance. Review status: criteria provided, multiple submitters, no conflicts (2 of 4 stars). 3 submissions from 3 submitters: Uncertain significance (3). Last evaluated 2025-08-08.

Conditions:
MYH7B-related disorder. Also called: MYH7B-related condition.

Allele frequency attached by ClinVar (database versions not stated): gnomAD 0.00006; ExAC 0.00008; gnomAD exomes 0.00002.
gnomAD v4.1: 41 of 1,506,652 alleles (0.0027%); highest among the groups gnomAD compares: Middle Eastern, 0.035%; no homozygotes.

Submissions (3):

PreventionGenetics, part of Exact Sciences
Classification: Uncertain significance for MYH7B-related condition. Last evaluated: 2025-08-08. Review status: criteria provided, single submitter. Criteria: ACMG Guidelines, 2015. Collection method: clinical testing. Allele origin: germline.
Comment: The MYH7B c.34T>A variant is predicted to result in the amino acid substitution p.Cys12Ser. To our knowledge, this variant has not been reported in the literature. This variant is reported in 0.0085% of alleles in individuals of European (Non-Finnish) descent in gnomAD. At this time, the clinical significance of this variant is uncertain due to the absence of conclusive functional and genetic evidence.

Labcorp Genetics (formerly Invitae), Labcorp
Classification: Uncertain significance. Last evaluated: 2025-03-05. Review status: criteria provided, single submitter. Criteria: Invitae Variant Classification Sherloc (09022015). Collection method: clinical testing. Allele origin: germline.
Comment: This sequence change replaces cysteine, which is neutral and slightly polar, with serine, which is neutral and polar, at codon 12 of the MYH7B protein (p.Cys12Ser). This variant is present in population databases (rs762744206, gnomAD 0.008%). This variant has not been reported in the literature in individuals affected with MYH7B-related conditions. ClinVar contains an entry for this variant (Variation ID: 2183935). An algorithm developed to predict the effect of missense changes on protein structure and function outputs the following: PolyPhen-2: "Benign". The serine amino acid residue is found in multiple mammalian species, which suggests that this missense change does not adversely affect protein function. In summary, the available evidence is currently insufficient to determine the role of this variant in disease. Therefore, it has been classified as a Variant of Uncertain Significance.

Women's Health and Genetics/Laboratory Corporation of America, LabCorp
Classification: Uncertain significance. Last evaluated: 2024-10-17. Review status: criteria provided, single submitter. Criteria: LabCorp Variant Classification Summary - May 2015. Collection method: clinical testing. Allele origin: germline.
Comment: Variant summary: MYH7B c.-93T>A is located in the untranslated mRNA region upstream of the initiation codon. The variant allele was found at a frequency of 3.4e-05 in 203686 control chromosomes. The available data on variant occurrences in the general population are insufficient to allow any conclusion about variant significance. To our knowledge, no occurrence of c.-93T>A in individuals affected with MYH7B-Related Disorders and no experimental evidence demonstrating its impact on protein function have been reported. ClinVar contains an entry for this variant (Variation ID: 2183935). Based on the evidence outlined above, the variant was classified as uncertain significance.

NM_020884.7(MYH7B):c.-93T>A

Gene: MYH7B (myosin heavy chain 7B; plus strand). Cytogenetic location: 20q11.22.
Variant type: single nucleotide variant.
Coding change: c.-93T>A on transcript NM_020884.7 (MANE Select); 93 bases upstream of the start codon, T replaced by A.
Molecular consequence: 5 prime UTR variant.
Genome position (GRCh38, 1-based): chr20:34,977,660, T>A. VCF-style: chr20-34977660-T-A. GRCh37 (hg19) VCF-style: chr20-33565463-T-A.
Other names: c.34T>A (NM_020884.4).
Identifiers: ClinVar variation 2183935 (VCV002183935.6), dbSNP rs762744206, ClinGen allele CA9826233.